The following is an entry in ClinVar:

NM_021075.4(NDUFV3):c.8C>A (p.Ala3Asp)

Gene: NDUFV3 (NADH:ubiquinone oxidoreductase subunit V3; plus strand). Cytogenetic location: 21q22.3.
Variant type: single nucleotide variant.
Coding change: c.8C>A on transcript NM_021075.4 (MANE Select); coding-DNA position 8, C replaced by A.
Protein change: p.Ala3Asp; replaces alanine 3 with aspartic acid.
Molecular consequence: missense variant.
Genome position (GRCh38, 1-based): chr21:42,893,341, C>A. VCF-style: chr21-42893341-C-A. GRCh37 (hg19) VCF-style: chr21-44313451-C-A.
Other names: c.8C>A, p.Ala3Asp (NM_001001503.2); short protein forms A3D.
Identifiers: ClinVar variation 3045103 (VCV003045103.2), dbSNP rs777553859, ClinGen allele CA10046366.

ClinVar aggregate classification (germline): Likely benign (0 of 4 stars; one submission).

Conditions:
NDUFV3-related disorder. Also called: NDUFV3-related condition.

Allele frequency attached by ClinVar (database versions not stated): ExAC 0.00070; gnomAD 0.00072.
gnomAD v4.1: 474 of 1,538,246 alleles (0.031%); highest among the groups gnomAD compares: South Asian, 0.079%; 1 homozygote.

Submission:

PreventionGenetics, part of Exact Sciences
Classification: Likely benign for NDUFV3-related condition. Last evaluated: 2023-05-23. Review status: no assertion criteria provided. Collection method: clinical testing. Allele origin: germline.
Comment: This variant is classified as likely benign based on ACMG/AMP sequence variant interpretation guidelines (Richards et al. 2015 PMID: 25741868, with internal and published modifications).